The following is an entry in ClinVar:

NM_020987.5(ANK3):c.6775G>T (p.Gly2259Cys)

Genes: ANK3 (ankyrin 3; minus strand), LOC130003862 (ATAC-STARR-seq lymphoblastoid active region 3393; plus strand). Cytogenetic location: 10q21.2.
Variant type: single nucleotide variant.
Coding change: c.6775G>T on transcript NM_020987.5 (MANE Select); coding-DNA position 6775, G replaced by T.
Protein change: p.Gly2259Cys; replaces glycine 2259 with cysteine.
Molecular consequence: missense variant. On other transcripts: intron variant (4).
Genome position (GRCh38, 1-based): chr10:60,074,106, C>A on the plus strand (G>T on the coding strand, the complement: ANK3 is on the minus strand). VCF-style: chr10-60074106-C-A. GRCh37 (hg19) VCF-style: chr10-61833864-C-A.
Other names: c.4388-6097G>T (NM_001204403.2); c.4409-6097G>T (NM_001204404.2); c.4406-6097G>T (NM_001320874.2); c.1808-6097G>T (NM_001149.4); short protein forms G2259C.
Identifiers: ClinVar variation 2173559 (VCV002173559.10), dbSNP rs995746990, ClinGen allele CA207325638.

ClinVar aggregate classification (germline): Uncertain significance. Review status: criteria provided, multiple submitters, no conflicts (2 of 4 stars). 2 submissions from 2 submitters: Uncertain significance (2). Last evaluated 2025-11-01.

Allele frequency attached by ClinVar (database versions not stated): TOPMed 0.00001.
gnomAD v4.1: 22 of 1,613,996 alleles (0.0014%); highest among the groups gnomAD compares: Middle Eastern, 0.017%; no homozygotes.

Submissions (2):

CeGaT Center for Human Genetics Tuebingen
Classification: Uncertain significance. Last evaluated: 2025-11-01. Review status: criteria provided, single submitter. Criteria: CeGaT Center For Human Genetics Tuebingen Variant Classification Criteria Version 2. Collection method: clinical testing. Allele origin: germline. Affected: yes. Observed: 1 variant allele.
Comment: ANK3: PM2

Labcorp Genetics (formerly Invitae), Labcorp
Classification: Uncertain significance. Last evaluated: 2022-03-18. Review status: criteria provided, single submitter. Criteria: Invitae Variant Classification Sherloc (09022015). Collection method: clinical testing. Allele origin: germline.
Comment: In summary, the available evidence is currently insufficient to determine the role of this variant in disease. Therefore, it has been classified as a Variant of Uncertain Significance. Algorithms developed to predict the effect of missense changes on protein structure and function are either unavailable or do not agree on the potential impact of this missense change (SIFT: "Not Available"; PolyPhen-2: "Benign"; Align-GVGD: "Not Available"). This variant has not been reported in the literature in individuals affected with ANK3-related conditions. This variant is present in population databases (no rsID available, gnomAD 0.0009%). This sequence change replaces glycine, which is neutral and non-polar, with cysteine, which is neutral and slightly polar, at codon 2259 of the ANK3 protein (p.Gly2259Cys).